The following is an entry in ClinVar:

NM_000553.6(WRN):c.3867G>A (p.Met1289Ile)

Gene: WRN (WRN RecQ like helicase; plus strand). Cytogenetic location: 8p12.
Variant type: single nucleotide variant.
Coding change: c.3867G>A on transcript NM_000553.6 (MANE Select); coding-DNA position 3867, G replaced by A.
Protein change: p.Met1289Ile; replaces methionine 1289 with isoleucine.
Molecular consequence: missense variant.
Genome position (GRCh38, 1-based): chr8:31,157,415, G>A. VCF-style: chr8-31157415-G-A. GRCh37 (hg19) VCF-style: chr8-31014931-G-A.
Other names: short protein forms M1289I.
Identifiers: ClinVar variation 2001321 (VCV002001321.4), dbSNP rs2130480503, ClinGen allele CA370929372.

ClinVar aggregate classification (germline): Uncertain significance (1 of 4 stars; one submission).

Conditions:
Werner syndrome (WRN). Identifiers: Orphanet 902, MedGen C0043119, MONDO:0010196, OMIM 277700.

Submission:

Labcorp Genetics (formerly Invitae), Labcorp
Classification: Uncertain significance for Werner syndrome. Last evaluated: 2022-06-14. Review status: criteria provided, single submitter. Criteria: Invitae Variant Classification Sherloc (09022015). Collection method: clinical testing. Allele origin: germline.
Comment: In summary, the available evidence is currently insufficient to determine the role of this variant in disease. Therefore, it has been classified as a Variant of Uncertain Significance. Algorithms developed to predict the effect of missense changes on protein structure and function output the following: SIFT: "Not Available"; PolyPhen-2: "Benign"; Align-GVGD: "Not Available". The isoleucine amino acid residue is found in multiple mammalian species, which suggests that this missense change does not adversely affect protein function. This variant has not been reported in the literature in individuals affected with WRN-related conditions. This variant is not present in population databases (gnomAD no frequency). This sequence change replaces methionine, which is neutral and non-polar, with isoleucine, which is neutral and non-polar, at codon 1289 of the WRN protein (p.Met1289Ile).